The following is an entry in ClinVar:

ClinVar aggregate classification (germline): Uncertain significance. Review status: criteria provided, multiple submitters, no conflicts (2 of 4 stars). 2 submissions from 2 submitters: Uncertain significance (2). Last evaluated 2024-03-13.

Conditions:
Autosomal dominant nonsyndromic hearing loss 6 (LFSNHL). Also called: DEAFNESS, AUTOSOMAL DOMINANT 14; DEAFNESS, AUTOSOMAL DOMINANT 38; DEAFNESS, AUTOSOMAL DOMINANT 6; Autosomal dominant nonsyndromic deafness 6. Identifiers: Orphanet 90635, MedGen C1833021, MONDO:0010963, OMIM 600965.
Type 2 diabetes mellitus. Also called: Type II diabetes mellitus. Identifiers: MedGen C0011860, MeSH D003924, MONDO:0005148, OMIM 125853, HP:0005978.
Cataract 41 (CTRCT41). Also called: CATARACT 41, CONGENITAL NUCLEAR TYPE. Identifiers: Orphanet 91492, Orphanet 98991, Orphanet 98992, Orphanet 98995, MedGen C3805412, MONDO:0007287, OMIM 116400.
Wolfram syndrome 1 (WFS1). Identifiers: Orphanet 3463, MedGen C4551693, MONDO:0009101, OMIM 222300.
Wolfram-like syndrome. Also called: HEARING LOSS, PROGRESSIVE, WITH OPTIC ATROPHY AND/OR IMPAIRED GLUCOSE REGULATION. Identifiers: Orphanet 411590, MedGen C3280358, MONDO:0013673, OMIM 614296.

gnomAD v4.1: 1 of 1,613,150 alleles (0.000062%); highest among the groups gnomAD compares: Non-Finnish European, 0.000085%; no homozygotes.

Submissions (2):

Fulgent Genetics
Classification: Uncertain significance for Cataract 41; Type 2 diabetes mellitus; Wolfram syndrome 1; Autosomal dominant nonsyndromic hearing loss 6; Wolfram-like syndrome. Last evaluated: 2024-03-13. Review status: criteria provided, single submitter. Criteria: ACMG Guidelines, 2015. Collection method: clinical testing. Allele origin: germline.

Labcorp Genetics (formerly Invitae), Labcorp
Classification: Uncertain significance. Last evaluated: 2022-06-20. Review status: criteria provided, single submitter. Criteria: Invitae Variant Classification Sherloc (09022015). Collection method: clinical testing. Allele origin: germline.
Comment: In summary, the available evidence is currently insufficient to determine the role of this variant in disease. Therefore, it has been classified as a Variant of Uncertain Significance. Advanced modeling of protein sequence and biophysical properties (such as structural, functional, and spatial information, amino acid conservation, physicochemical variation, residue mobility, and thermodynamic stability) performed at Invitae indicates that this missense variant is not expected to disrupt WFS1 protein function. This variant has not been reported in the literature in individuals affected with WFS1-related conditions. This variant is not present in population databases (gnomAD no frequency). This sequence change replaces alanine, which is neutral and non-polar, with serine, which is neutral and polar, at codon 677 of the WFS1 protein (p.Ala677Ser).

NM_006005.3(WFS1):c.2029G>T (p.Ala677Ser)

Gene: WFS1 (wolframin ER transmembrane glycoprotein; plus strand). Cytogenetic location: 4p16.1.
Variant type: single nucleotide variant.
Coding change: c.2029G>T on transcript NM_006005.3 (MANE Select); coding-DNA position 2029, G replaced by T.
Protein change: p.Ala677Ser; replaces alanine 677 with serine.
Molecular consequence: missense variant.
Genome position (GRCh38, 1-based): chr4:6,301,824, G>T. VCF-style: chr4-6301824-G-T. GRCh37 (hg19) VCF-style: chr4-6303551-G-T.
Other names: c.2029G>T, p.Ala677Ser (NM_001145853.1); short protein forms A677S.
Identifiers: ClinVar variation 1497013 (VCV001497013.8), dbSNP rs757027394, ClinGen allele CA356177558.